The following is an entry in ClinVar:

ClinVar aggregate classification (germline): Uncertain significance. Review status: criteria provided, multiple submitters, no conflicts (2 of 4 stars). 6 submissions from 6 submitters: Uncertain significance (6). Last evaluated 2026-01-13.

Conditions:
Pheochromocytoma. Also called: MAX-Related Hereditary Paraganglioma-Pheochromocytoma Syndrome. Identifiers: Orphanet 29072, MedGen C0031511, MONDO:0008233, OMIM 171300, HP:0002666.
Pheochromocytoma/paraganglioma syndrome 4. Also called: SDHB-Related Hereditary Paraganglioma-Pheochromocytoma Syndrome; Paragangliomas 4; CAROTID BODY TUMORS AND MULTIPLE EXTRAADRENAL PHEOCHROMOCYTOMAS; PARAGANGLIOMA, FAMILIAL MALIGNANT; PARAGANGLIOMAS, HEREDITARY EXTRAADRENAL; PHEOCHROMOCYTOMA, FAMILIAL EXTRAADRENAL. Identifiers: Orphanet 29072, MedGen C1861848, MONDO:0007273, OMIM 115310.
Gastrointestinal stromal tumor. Also called: Gastrointestinal stromal tumor, somatic; Gastrointestinal stroma tumor. Identifiers: Orphanet 44890, MedGen C0238198, MeSH D046152, MONDO:0011719, OMIM 606764, HP:0100723.
Hereditary cancer-predisposing syndrome. Also called: Neoplastic Syndromes, Hereditary; Hereditary Cancer Syndrome; Hereditary neoplastic syndrome; Tumor predisposition. Identifiers: Orphanet 140162, MedGen C0027672, MeSH D009386, MONDO:0015356.
Hereditary pheochromocytoma and paraganglioma. Also called: Hereditary Paraganglioma-Pheochromocytoma Syndromes; Hereditary pheochromocytoma-paraganglioma; Hereditary paragangliomas and pheochromocytomas. Identifiers: Orphanet 29072, MedGen C4274332, MONDO:0017366.

Allele frequency attached by ClinVar (database versions not stated): gnomAD exomes below 0.00001; ExAC 0.00001; gnomAD 0.00001; TOPMed 0.00001.
gnomAD v4.1: 6 of 1,590,898 alleles (0.00038%); highest among the groups gnomAD compares: East Asian, 0.0022%; no homozygotes.

Submissions (6):

Labcorp Genetics (formerly Invitae), Labcorp
Classification: Uncertain significance for Gastrointestinal stromal tumor; Pheochromocytoma/paraganglioma syndrome 4; Pheochromocytoma. Last evaluated: 2026-01-13. Review status: criteria provided, single submitter. Criteria: Invitae Variant Classification Sherloc (09022015). Collection method: clinical testing. Allele origin: germline.
Comment: This sequence change replaces glutamic acid, which is acidic and polar, with glycine, which is neutral and non-polar, at codon 176 of the SDHB protein (p.Glu176Gly). This variant is present in population databases (rs201082445, gnomAD 0.0009%). This variant has not been reported in the literature in individuals affected with SDHB-related conditions. ClinVar contains an entry for this variant (Variation ID: 459153). Invitae Evidence Modeling of protein sequence and biophysical properties (such as structural, functional, and spatial information, amino acid conservation, physicochemical variation, residue mobility, and thermodynamic stability) indicates that this missense variant is expected to disrupt SDHB protein function with a positive predictive value of 80%. In summary, the available evidence is currently insufficient to determine the role of this variant in disease. Therefore, it has been classified as a Variant of Uncertain Significance.

Color Diagnostics, LLC DBA Color Health
Classification: Uncertain significance for Hereditary pheochromocytoma and paraganglioma. Last evaluated: 2025-08-27. Review status: criteria provided, single submitter. Criteria: ACMG Guidelines, 2015. Collection method: clinical testing. Allele origin: germline.
Comment: This missense variant replaces glutamic acid with glycine at codon 176 of the SDHB protein. Computational prediction is inconclusive regarding the impact of this variant on protein structure and function. To our knowledge, functional studies have not been reported for this variant. This variant has not been reported in individuals affected with SDHB-related disorders in the literature. This variant has been identified in 1/251406 chromosomes in the general population by the Genome Aggregation Database (gnomAD). The available evidence is insufficient to determine the role of this variant in disease conclusively. Therefore, this variant is classified as a Variant of Uncertain Significance.

GeneDx
Classification: Uncertain significance. Last evaluated: 2024-02-27. Review status: criteria provided, single submitter. Criteria: GeneDx Variant Classification Process June 2021. Collection method: clinical testing. Allele origin: germline. Affected: yes.
Comment: Not observed at significant frequency in large population cohorts (gnomAD); Has not been previously published as pathogenic or benign to our knowledge; In silico analysis supports that this missense variant has a deleterious effect on protein structure/function; In silico analysis is inconclusive as to whether the variant alters gene splicing. In the absence of RNA/functional studies, the actual effect of this sequence change is unknown.; This variant is associated with the following publications: (PMID: Ertorer2023[abstract])

Baylor Genetics
Classification: Uncertain significance for Gastrointestinal stromal tumor. Last evaluated: 2024-02-05. Review status: criteria provided, single submitter. Criteria: ACMG Guidelines, 2015. Collection method: clinical testing. Allele origin: unknown.

Blueprint Genetics
Classification: Uncertain significance. Last evaluated: 2024-01-08. Review status: criteria provided, single submitter. Criteria: ACMG Guidelines, 2015. Collection method: clinical testing. Allele origin: germline.

Ambry Genetics
Classification: Uncertain significance for Hereditary cancer-predisposing syndrome. Last evaluated: 2024-01-03. Review status: criteria provided, single submitter. Criteria: Ambry Variant Classification Scheme 2023. Collection method: clinical testing. Allele origin: germline.
Comment: The p.E176G variant (also known as c.527A>G), located in coding exon 5 of the SDHB gene, results from an A to G substitution at nucleotide position 527. The glutamic acid at codon 176 is replaced by glycine, an amino acid with similar properties. This amino acid position is poorly conserved in available vertebrate species. In addition, the in silico prediction for this alteration is inconclusive. Since supporting evidence is limited at this time, the clinical significance of this alteration remains unclear.

NM_003000.3(SDHB):c.527A>G (p.Glu176Gly)

Gene: SDHB (succinate dehydrogenase complex iron sulfur subunit B; minus strand). Cytogenetic location: 1p36.13.
Variant type: single nucleotide variant.
Coding change: c.527A>G on transcript NM_003000.3 (MANE Select); coding-DNA position 527, A replaced by G.
Protein change: p.Glu176Gly; replaces glutamic acid 176 with glycine.
Molecular consequence: missense variant.
Genome position (GRCh38, 1-based): chr1:17,027,762, T>C on the plus strand (A>G on the coding strand, the complement: SDHB is on the minus strand). VCF-style: chr1-17027762-T-C. GRCh37 (hg19) VCF-style: chr1-17354257-T-C.
Other names: short protein forms E176G.
Identifiers: ClinVar variation 459153 (VCV000459153.22), dbSNP rs201082445, ClinGen allele CA089639.